The following is an entry in ClinVar:

ClinVar aggregate classification (germline): Uncertain significance. Review status: criteria provided, multiple submitters, no conflicts (2 of 4 stars). 5 submissions from 5 submitters: Uncertain significance (5). Last evaluated 2024-11-01.

Conditions:
Sucrase-isomaltase deficiency (CSID). Also called: SI DEFICIENCY; Congenital sucrose isomaltose malabsorption; Sucrose isomaltose enzyme deficiency; Deficiency of isomaltase. Identifiers: Orphanet 35122, MedGen C1283620, MONDO:0009114, OMIM 222900.

Allele frequency attached by ClinVar (database versions not stated): TOPMed 0.00040; 1000 Genomes Project 0.00100; 1000 Genomes Project 30x 0.00109.
gnomAD v4.1: 893 of 1,612,050 alleles (0.055%); highest among the groups gnomAD compares: Non-Finnish European, 0.071%; no homozygotes.

Submissions (5):

Blueprint Genetics
Classification: Uncertain significance. Last evaluated: 2024-11-01. Review status: criteria provided, single submitter. Criteria: ACMG Guidelines, 2015. Collection method: clinical testing. Allele origin: germline.

Fulgent Genetics
Classification: Uncertain significance for Sucrase-isomaltase deficiency. Last evaluated: 2023-12-30. Review status: criteria provided, single submitter. Criteria: ACMG Guidelines, 2015. Collection method: clinical testing. Allele origin: germline.

GeneDx
Classification: Uncertain significance. Last evaluated: 2022-12-08. Review status: criteria provided, single submitter. Criteria: GeneDx Variant Classification Process June 2021. Collection method: clinical testing. Allele origin: germline. Affected: yes.
Comment: Reported in association with susceptibility to IBS in three patients in published literature but also observed in multiple clinically unaffected individuals in published literature and large population cohorts (Garcia -Etxebarria et al., 2018; gnomAD); In silico analysis supports that this missense variant has a deleterious effect on protein structure/function; This variant is associated with the following publications: (PMID: 34426522, 32732636, 29408290, 34615726)

Labcorp Genetics (formerly Invitae), Labcorp
Classification: Uncertain significance. Last evaluated: 2022-08-15. Review status: criteria provided, single submitter. Criteria: Invitae Variant Classification Sherloc (09022015). Collection method: clinical testing. Allele origin: germline.
Comment: This sequence change replaces glycine, which is neutral and non-polar, with valine, which is neutral and non-polar, at codon 1760 of the SI protein (p.Gly1760Val). This variant is present in population databases (rs145556619, gnomAD 0.06%). This missense change has been observed in individual(s) with irritable bowel syndrome (PMID: 29408290). ClinVar contains an entry for this variant (Variation ID: 903057). Algorithms developed to predict the effect of missense changes on protein structure and function (SIFT, PolyPhen-2, Align-GVGD) all suggest that this variant is likely to be tolerated. In summary, the available evidence is currently insufficient to determine the role of this variant in disease. Therefore, it has been classified as a Variant of Uncertain Significance.

Illumina Laboratory Services, Illumina
Classification: Uncertain significance for Sucrase-isomaltase deficiency. Last evaluated: 2018-01-13. Review status: criteria provided, single submitter. Criteria: ICSL Variant Classification Criteria 13 December 2019. Collection method: clinical testing. Allele origin: germline.

Literature cited by the submitters: PubMed 29408290 (cited by Labcorp Genetics (formerly Invitae), Labcorp).

NM_001041.4(SI):c.5279G>T (p.Gly1760Val)

Gene: SI (sucrase-isomaltase; minus strand). Cytogenetic location: 3q26.1.
Variant type: single nucleotide variant.
Coding change: c.5279G>T on transcript NM_001041.4 (MANE Select); coding-DNA position 5279, G replaced by T.
Protein change: p.Gly1760Val; replaces glycine 1760 with valine.
Molecular consequence: missense variant.
Genome position (GRCh38, 1-based): chr3:164,982,379, C>A on the plus strand (G>T on the coding strand, the complement: SI is on the minus strand). VCF-style: chr3-164982379-C-A. GRCh37 (hg19) VCF-style: chr3-164700167-C-A.
Other names: short protein forms G1760V.
Identifiers: ClinVar variation 903057 (VCV000903057.12), dbSNP rs145556619, ClinGen allele CA2689561.
Genomic context (GRCh38, chr3:164,982,379, plus strand): 5'-GTAGTTCCTTTCCCCCATACATGAAGGGATCCAAGCCTCGTTTCACTTTTATTTATGTAA[C>A]CTCTCTTCAATATAGTGCTTGTTAAGGTGGTCTATAAATAAAGAAAAAGGAATAACATAA-3'
Protein context (NP_001032.2, residues 1750-1770): TTLTSTILKR[Gly1760Val]YINKSETRLG